The following is an entry in ClinVar:

NM_018480.7(TMEM126B):c.204-5A>G

Gene: TMEM126B (transmembrane protein 126B; plus strand). Cytogenetic location: 11q14.1.
Variant type: single nucleotide variant.
Coding change: c.204-5A>G on transcript NM_018480.7 (MANE Select); 5 bases into the intron before coding-DNA position 204, A replaced by G.
Molecular consequence: intron variant.
Genome position (GRCh38, 1-based): chr11:85,634,081, A>G. VCF-style: chr11-85634081-A-G. GRCh37 (hg19) VCF-style: chr11-85345125-A-G.
Other names: c.144-5A>G (NM_001193537.3, NM_001350395.2); c.114-5A>G (NM_001256546.2, NM_001193538.3, NM_001350396.2); c.66-5A>G (NM_001256547.2); c.82-5A>G (NM_001350393.1); c.204-5A>G (NM_001350394.2).
Identifiers: ClinVar variation 3052900 (VCV003052900.4), dbSNP rs528439956, ClinGen allele CA6212435.

ClinVar aggregate classification (germline): Likely benign. Review status: criteria provided, single submitter (1 of 4 stars). 2 submissions from 2 submitters: Likely benign (1). 1 of the submissions does not count toward it. Last evaluated 2024-05-10.

Conditions:
TMEM126B-related disorder. Also called: TMEM126B-related condition.

Allele frequency attached by ClinVar (database versions not stated): gnomAD 0.00002; ExAC 0.00003; TOPMed 0.00003; gnomAD exomes 0.00014; 1000 Genomes Project 30x 0.00016; 1000 Genomes Project 0.00020.
gnomAD v4.1: 196 of 1,598,078 alleles (0.012%); highest among the groups gnomAD compares: Non-Finnish European, 0.016%; no homozygotes.

Submissions (2):

Labcorp Genetics (formerly Invitae), Labcorp
Classification: Likely benign. Last evaluated: 2024-05-10. Review status: criteria provided, single submitter. Criteria: Invitae Variant Classification Sherloc (09022015). Collection method: clinical testing. Allele origin: germline.

PreventionGenetics, part of Exact Sciences
Classification: Likely benign for TMEM126B-related condition. Last evaluated: 2019-10-28. Review status: no assertion criteria provided. Collection method: clinical testing. Allele origin: germline. Not counted in ClinVar's aggregate classification.
Comment: This variant is classified as likely benign based on ACMG/AMP sequence variant interpretation guidelines (Richards et al. 2015 PMID: 25741868, with internal and published modifications).